The following is an entry in ClinVar:

ClinVar aggregate classification (germline): Uncertain significance. Review status: criteria provided, multiple submitters, no conflicts (2 of 4 stars). 2 submissions from 2 submitters: Uncertain significance (2). Last evaluated 2022-07-12.

Allele frequency attached by ClinVar (database versions not stated): gnomAD exomes 0.00001.
gnomAD v4.1: 5 of 1,584,548 alleles (0.00032%); highest among the groups gnomAD compares: Admixed American, 0.0054%; no homozygotes.

Submissions (2):

Labcorp Genetics (formerly Invitae), Labcorp
Classification: Uncertain significance. Last evaluated: 2022-07-12. Review status: criteria provided, single submitter. Criteria: Invitae Variant Classification Sherloc (09022015). Collection method: clinical testing. Allele origin: germline.
Comment: This sequence change replaces threonine, which is neutral and polar, with isoleucine, which is neutral and non-polar, at codon 2906 of the CDH23 protein (p.Thr2906Ile). The frequency data for this variant in the population databases is considered unreliable, as metrics indicate poor data quality at this position in the gnomAD database. This variant has not been reported in the literature in individuals affected with CDH23-related conditions. ClinVar contains an entry for this variant (Variation ID: 1358236). Algorithms developed to predict the effect of missense changes on protein structure and function are either unavailable or do not agree on the potential impact of this missense change (SIFT: "Deleterious"; PolyPhen-2: "Not Available"; Align-GVGD: "Class C0"). In summary, the available evidence is currently insufficient to determine the role of this variant in disease. Therefore, it has been classified as a Variant of Uncertain Significance.

Blueprint Genetics
Classification: Uncertain significance. Last evaluated: 2021-06-28. Review status: criteria provided, single submitter. Criteria: ACMG Guidelines, 2015. Collection method: clinical testing. Allele origin: germline.

NM_022124.6(CDH23):c.8717C>T (p.Thr2906Ile)

Gene: CDH23 (cadherin related 23; plus strand). Cytogenetic location: 10q22.1.
Variant type: single nucleotide variant.
Coding change: c.8717C>T on transcript NM_022124.6 (MANE Select); coding-DNA position 8717, C replaced by T.
Protein change: p.Thr2906Ile; replaces threonine 2906 with isoleucine.
Molecular consequence: missense variant.
Genome position (GRCh38, 1-based): chr10:71,808,002, C>T. VCF-style: chr10-71808002-C-T. GRCh37 (hg19) VCF-style: chr10-73567759-C-T.
Other names: c.1997C>T, p.Thr666Ile (NM_001171933.1, NM_001171934.1); short protein forms T2906I, T666I.
Identifiers: ClinVar variation 1358236 (VCV001358236.10), dbSNP rs780345006, ClinGen allele CA5546715.